The following is an entry in ClinVar:

ClinVar aggregate classification (germline): Uncertain significance (1 of 4 stars; one submission).

Conditions:
Facioscapulohumeral muscular dystrophy 2 (FSHD2). Also called: FSHD2, DIGENIC; MUSCULAR DYSTROPHY, FACIOSCAPULOHUMERAL, TYPE 1B; FACIOSCAPULOHUMERAL MUSCULAR DYSTROPHY 2, DIGENIC. Identifiers: Orphanet 269, MedGen C1834671, MONDO:0008031, OMIM 158901.

Allele frequency attached by ClinVar (database versions not stated): TOPMed below 0.00001.

Submission:

Labcorp Genetics (formerly Invitae), Labcorp
Classification: Uncertain significance for Facioscapulohumeral muscular dystrophy 2. Last evaluated: 2021-09-29. Review status: criteria provided, single submitter. Criteria: Invitae Variant Classification Sherloc (09022015). Collection method: clinical testing. Allele origin: germline.
Comment: This sequence change falls in intron 21 of the SMCHD1 gene. It does not directly change the encoded amino acid sequence of the SMCHD1 protein. This variant is not present in population databases (ExAC no frequency). In summary, the available evidence is currently insufficient to determine the role of this variant in disease. Therefore, it has been classified as a Variant of Uncertain Significance. Algorithms developed to predict the effect of sequence changes on RNA splicing suggest that this variant may disrupt the consensus splice site. This variant has not been reported in the literature in individuals affected with SMCHD1-related conditions.

NM_015295.3(SMCHD1):c.2701-4A>G

Gene: SMCHD1 (structural maintenance of chromosomes flexible hinge domain containing 1; plus strand). Cytogenetic location: 18p11.32.
Variant type: single nucleotide variant.
Coding change: c.2701-4A>G on transcript NM_015295.3 (MANE Select); 4 bases into the intron before coding-DNA position 2701, A replaced by G.
Molecular consequence: intron variant.
Genome position (GRCh38, 1-based): chr18:2,726,448, A>G. VCF-style: chr18-2726448-A-G. GRCh37 (hg19) VCF-style: chr18-2726446-A-G.
Identifiers: ClinVar variation 1383823 (VCV001383823.6), dbSNP rs2075029334, ClinGen allele CA2280694375.
Genomic context (GRCh38, chr18:2,726,448, plus strand): 5'-TGTGATAAACTACTTAAGTATGTATTCAGGACTGGGTTTAATTTTTACTGTTTTTTTCCA[A>G]CAGAATTATAATCTGAAGGTTACTCTGCCTGGCTTAAAAGAAGACTCACAGATTTTGAAA-3'